The following is an entry in ClinVar:

NM_001148.6(ANK2):c.11860-3356C>T

Gene: ANK2 (ankyrin 2; plus strand). Cytogenetic location: 4q26.
Variant type: single nucleotide variant.
Coding change: c.11860-3356C>T on transcript NM_001148.6 (MANE Select); 3356 bases into the intron before coding-DNA position 11860, C replaced by T.
Molecular consequence: intron variant. On other transcripts: synonymous variant (2).
Genome position (GRCh38, 1-based): chr4:113,378,101, C>T. VCF-style: chr4-113378101-C-T. GRCh37 (hg19) VCF-style: chr4-114299257-C-T.
Other names: c.12288C>T, p.Tyr4096= (NM_001386174.1); c.12264C>T, p.Tyr4088= (NM_001386175.1); c.5772+3155C>T (NM_001386186.2); c.5590-3356C>T (NM_001386148.2); c.5392-3356C>T (NM_001354269.3); c.5470-3356C>T (NM_001386187.2); c.5613+3155C>T (NM_001386147.1); c.5631+3155C>T (NM_001386160.1); and 60 more.
Identifiers: ClinVar variation 3257160 (VCV003257160.18), dbSNP rs774483273.
Genomic context (GRCh38, chr4:113,378,101, plus strand): 5'-AGTCTATAGTTTATGATGAGCTTTGTCTTTTCTTTTCTTCTTACTTCAGGCTTTGAGTTA[C>T]ACAGGTAGCCACATGAAAGTCCACTTACCCAGTTTAGTAGAGAATGAAATCCTGAAAGAG-3'

ClinVar aggregate classification (germline): Likely benign. Review status: criteria provided, multiple submitters, no conflicts (2 of 4 stars). 2 submissions from 2 submitters: Likely benign (2). Last evaluated 2026-09-01.

gnomAD v4.1: 167 of 1,266,038 alleles (0.013%); highest among the groups gnomAD compares: Non-Finnish European, 0.015%; no homozygotes.

Submissions (2):

CeGaT Center for Human Genetics Tuebingen
Classification: Likely benign. Last evaluated: 2026-09-01. Review status: criteria provided, single submitter. Criteria: CeGaT Center For Human Genetics Tuebingen Variant Classification Criteria Version 2. Collection method: clinical testing. Allele origin: germline. Affected: yes. Observed: 2 variant alleles.
Comment: ANK2: BP4, BP7

Molecular Diagnostic Laboratory for Inherited Cardiovascular Disease, Montreal Heart Institute
Classification: Likely benign. Last evaluated: 2025-04-09. Review status: criteria provided, single submitter. Criteria: ACMG Guidelines, 2015. Collection method: clinical testing. Allele origin: germline. Affected: no.